The following is an entry in ClinVar:

NM_004130.4(GYG1):c.46G>A (p.Ala16Thr)

Gene: GYG1 (glycogenin 1; plus strand). Cytogenetic location: 3q24.
Variant type: single nucleotide variant.
Coding change: c.46G>A on transcript NM_004130.4 (MANE Select); coding-DNA position 46, G replaced by A.
Protein change: p.Ala16Thr; replaces alanine 16 with threonine.
Molecular consequence: missense variant.
Genome position (GRCh38, 1-based): chr3:148,994,180, G>A. VCF-style: chr3-148994180-G-A. GRCh37 (hg19) VCF-style: chr3-148711967-G-A.
Other names: c.46G>A (NM_004130.3); c.46G>A, p.Ala16Thr (NM_001184720.2, NM_001184721.2); short protein forms A16T.
Identifiers: ClinVar variation 1632432 (VCV001632432.40), dbSNP rs200947378, ClinGen allele CA2658444.

ClinVar aggregate classification (germline): Conflicting classifications of pathogenicity. Review status: criteria provided, conflicting classifications (1 of 4 stars). 5 submissions from 5 submitters: Uncertain significance (1); Likely benign (4). Last evaluated 2026-01-08.

Conditions:
Inborn genetic diseases. Identifiers: MedGen C0950123, MeSH D030342.
Polyglucosan body myopathy type 2. Identifiers: Orphanet 456369, MedGen C4015452, MONDO:0014526, OMIM 616199.
Glycogen storage disease XV (GSD15). Also called: GLYCOGENIN DEFICIENCY; GSD XV. Identifiers: Orphanet 263297, MedGen C3150754, MONDO:0013291, OMIM 613507.

Allele frequency attached by ClinVar (database versions not stated): gnomAD 0.00003 and 0.00019; TOPMed 0.00005; 1000 Genomes Project 0.00080; ExAC 0.00095; 1000 Genomes Project 30x 0.00125.
gnomAD v4.1: 739 of 1,613,466 alleles (0.046%); highest among the groups gnomAD compares: South Asian, 0.7%; 9 homozygotes.

Submissions (5):

Labcorp Genetics (formerly Invitae), Labcorp
Classification: Likely benign for Polyglucosan body myopathy type 2; Glycogen storage disease XV. Last evaluated: 2026-01-08. Review status: criteria provided, single submitter. Criteria: Invitae Variant Classification Sherloc (09022015). Collection method: clinical testing. Allele origin: germline.

Blueprint Genetics
Classification: Likely benign. Last evaluated: 2024-09-05. Review status: criteria provided, single submitter. Criteria: ACMG Guidelines, 2015. Collection method: clinical testing. Allele origin: germline.

CeGaT Center for Human Genetics Tuebingen
Classification: Likely benign. Last evaluated: 2023-11-01. Review status: criteria provided, single submitter. Criteria: CeGaT Center For Human Genetics Tuebingen Variant Classification Criteria Version 2. Collection method: clinical testing. Allele origin: germline. Affected: yes. Observed: 2 variant alleles.
Comment: GYG1: PM5, BS2

Ambry Genetics
Classification: Uncertain significance for Inborn genetic diseases. Last evaluated: 2022-12-13. Review status: criteria provided, single submitter. Criteria: Ambry Variant Classification Scheme 2023. Collection method: clinical testing. Allele origin: germline.

Breakthrough Genomics
Classification: Likely benign. Review status: criteria provided, single submitter. Criteria: ACMG Guidelines, 2015. Collection method: not provided. Allele origin: germline. Inheritance: Autosomal recessive inheritance. Affected: yes.